The following is an entry in ClinVar:

NM_005732.4(RAD50):c.3892G>C (p.Glu1298Gln)

Genes: TH2LCRR (T helper type 2 locus control region associated RNA; minus strand), RAD50 (RAD50 double strand break repair protein; plus strand). Cytogenetic location: 5q31.1.
Variant type: single nucleotide variant.
Coding change: c.3892G>C on transcript NM_005732.4 (MANE Select); coding-DNA position 3892, G replaced by C.
Protein change: p.Glu1298Gln; replaces glutamic acid 1298 with glutamine.
Molecular consequence: missense variant.
Genome position (GRCh38, 1-based): chr5:132,642,317, G>C. VCF-style: chr5-132642317-G-C. GRCh37 (hg19) VCF-style: chr5-131978009-G-C.
Other names: short protein forms E1298Q.
Identifiers: ClinVar variation 644059 (VCV000644059.10), dbSNP rs1422137796, ClinGen allele CA360937274.
Genomic context (GRCh38, chr5:132,642,317, plus strand): 5'-GGACGTTCTGAATATGTGGAGAAATTCTACAGGATTAAAAAGAACATCGATCAGTGCTCA[G>C]AGATTGTGAAATGCAGTGTTAGCTCCCTGGGATTCAATGTTCATTAAAAATATCCAAGAT-3'
Protein context (NP_005723.2, residues 1288-1308): RIKKNIDQCS[Glu1298Gln]IVKCSVSSLG

ClinVar aggregate classification (germline): Uncertain significance. Review status: criteria provided, multiple submitters, no conflicts (2 of 4 stars). 2 submissions from 2 submitters: Uncertain significance (2). Last evaluated 2024-09-09.

Conditions:
Hereditary cancer-predisposing syndrome. Also called: Neoplastic Syndromes, Hereditary; Tumor predisposition; Hereditary neoplastic syndrome; Hereditary Cancer Syndrome. Identifiers: Orphanet 140162, MedGen C0027672, MeSH D009386, MONDO:0015356.

Allele frequency attached by ClinVar (database versions not stated): TOPMed 0.00002.

Submissions (2):

Ambry Genetics
Classification: Uncertain significance for Hereditary cancer-predisposing syndrome. Last evaluated: 2024-09-09. Review status: criteria provided, single submitter. Criteria: Ambry Variant Classification Scheme 2023. Collection method: clinical testing. Allele origin: germline.
Comment: The p.E1298Q variant (also known as c.3892G>C), located in coding exon 25 of the RAD50 gene, results from a G to C substitution at nucleotide position 3892. The glutamic acid at codon 1298 is replaced by glutamine, an amino acid with highly similar properties. This amino acid position is conserved. In addition, this alteration is predicted to be tolerated by in silico analysis. Based on the available evidence, the clinical significance of this variant remains unclear.

Labcorp Genetics (formerly Invitae), Labcorp
Classification: Uncertain significance for Hereditary cancer-predisposing syndrome. Last evaluated: 2023-04-27. Review status: criteria provided, single submitter. Criteria: Invitae Variant Classification Sherloc (09022015). Collection method: clinical testing. Allele origin: germline.
Comment: This variant is not present in population databases (gnomAD no frequency). This variant has not been reported in the literature in individuals affected with RAD50-related conditions. This sequence change replaces glutamic acid, which is acidic and polar, with glutamine, which is neutral and polar, at codon 1298 of the RAD50 protein (p.Glu1298Gln). ClinVar contains an entry for this variant (Variation ID: 644059). In summary, the available evidence is currently insufficient to determine the role of this variant in disease. Therefore, it has been classified as a Variant of Uncertain Significance. Advanced modeling of protein sequence and biophysical properties (such as structural, functional, and spatial information, amino acid conservation, physicochemical variation, residue mobility, and thermodynamic stability) performed at Invitae indicates that this missense variant is not expected to disrupt RAD50 protein function.